The following is an entry in ClinVar:

NM_016616.5(NME8):c.454+1G>A

Gene: NME8 (NME/NM23 family member 8; plus strand). Cytogenetic location: 7p14.1.
Variant type: single nucleotide variant.
Coding change: c.454+1G>A on transcript NM_016616.5 (MANE Select); the canonical splice donor site of the intron after coding-DNA position 454, G replaced by A.
Molecular consequence: splice donor variant.
Genome position (GRCh38, 1-based): chr7:37,863,463, G>A. VCF-style: chr7-37863463-G-A. GRCh37 (hg19) VCF-style: chr7-37903065-G-A.
Identifiers: ClinVar variation 1741357 (VCV001741357.7), dbSNP rs538425312, ClinGen allele CA4222193.

ClinVar aggregate classification (germline): Uncertain significance. Review status: criteria provided, multiple submitters, no conflicts (2 of 4 stars). 2 submissions from 2 submitters: Uncertain significance (2). Last evaluated 2026-01-18.

Conditions:
Primary ciliary dyskinesia. Also called: Ciliary dyskinesia. Identifiers: Orphanet 244, MedGen C0008780, MONDO:0016575, HP:0012265.
Primary ciliary dyskinesia 6. Also called: Primary Ciliary Dyskinesia 6: TXNDC3-Related Primary Ciliary Dyskinesia. Identifiers: Orphanet 244, MedGen C1970506, MONDO:0012571, OMIM 610852.

gnomAD v4.1: 83 of 1,579,574 alleles (0.0053%); highest among the groups gnomAD compares: South Asian, 0.01%; no homozygotes.

Submissions (2):

Labcorp Genetics (formerly Invitae), Labcorp
Classification: Uncertain significance for Primary ciliary dyskinesia 6. Last evaluated: 2026-01-18. Review status: criteria provided, single submitter. Criteria: Invitae Variant Classification Sherloc (09022015). Collection method: clinical testing. Allele origin: germline.
Comment: This sequence change affects a donor splice site in intron 8 of the NME8 gene. It is expected to disrupt RNA splicing. Variants that disrupt the donor or acceptor splice site typically lead to a loss of protein function (PMID: 16199547), however the current clinical and genetic evidence is not sufficient to establish whether loss-of-function variants in NME8 cause disease. This variant is present in population databases (rs538425312, gnomAD 0.03%). This variant has not been reported in the literature in individuals affected with NME8-related conditions. ClinVar contains an entry for this variant (Variation ID: 1741357). Algorithms developed to predict the effect of sequence changes on RNA splicing suggest that this variant may disrupt the consensus splice site. In summary, the available evidence is currently insufficient to determine the role of this variant in disease. Therefore, it has been classified as a Variant of Uncertain Significance.

Ambry Genetics
Classification: Uncertain significance for Primary ciliary dyskinesia. Last evaluated: 2018-07-24. Review status: criteria provided, single submitter. Criteria: Ambry Variant Classification Scheme 2023. Collection method: clinical testing. Allele origin: germline.
Comment: The c.454+1G>A intronic variant results from a G to A substitution one nucleotide after coding exon 6 of the NME8 gene. Alterations that disrupt the canonical splice site are expected to cause aberrant splicing, resulting in an abnormal protein or a transcript that is subject to nonsense-mediated mRNA decay. However, loss of function of NME8 has not been clearly established as a mechanism of disease. Since supporting evidence is limited at this time, the clinical significance of this alteration remains unclear.

Literature cited by the submitters: PubMed 16199547 (cited by Labcorp Genetics (formerly Invitae), Labcorp).